The following is an entry in ClinVar:

ClinVar aggregate classification (germline): Uncertain significance. Review status: criteria provided, multiple submitters, no conflicts (2 of 4 stars). 2 submissions from 2 submitters: Uncertain significance (2). Last evaluated 2026-06-01.

Conditions:
Autosomal recessive limb-girdle muscular dystrophy type 2J (LGMDR10). Also called: Limb-girdle muscular dystrophy, type 2J; MUSCULAR DYSTROPHY, LIMB-GIRDLE, AUTOSOMAL RECESSIVE 10. Identifiers: Orphanet 140922, MedGen C1837342, MONDO:0012127, OMIM 608807.
Dilated cardiomyopathy 1G (CMD1G). Identifiers: Orphanet 154, MedGen C1858763, MONDO:0011400, OMIM 604145.

gnomAD v4.1: 2 of 1,613,866 alleles (0.00012%); highest among the groups gnomAD compares: Non-Finnish European, 0.00017%; no homozygotes.

Submissions (2):

CeGaT Center for Human Genetics Tuebingen
Classification: Uncertain significance. Last evaluated: 2026-06-01. Review status: criteria provided, single submitter. Criteria: CeGaT Center For Human Genetics Tuebingen Variant Classification Criteria Version 2. Collection method: clinical testing. Allele origin: germline. Affected: yes. Observed: 1 variant allele.
Comment: TTN: PM2, BP4

Labcorp Genetics (formerly Invitae), Labcorp
Classification: Uncertain significance for Dilated cardiomyopathy 1G; Autosomal recessive limb-girdle muscular dystrophy type 2J. Last evaluated: 2025-12-27. Review status: criteria provided, single submitter. Criteria: Invitae Variant Classification Sherloc (09022015). Collection method: clinical testing. Allele origin: germline.
Comment: This sequence change replaces leucine, which is neutral and non-polar, with proline, which is neutral and non-polar, at codon 35584 of the TTN protein (p.Leu35584Pro). This variant is not present in population databases (gnomAD no frequency). This variant has not been reported in the literature in individuals affected with TTN-related conditions. ClinVar contains an entry for this variant (Variation ID: 3758721). Experimental studies and prediction algorithms are not available or were not evaluated, and the functional significance of this variant is currently unknown. This variant is located in the M band of TTN (PMID: 25589632). Non-truncating variants in this region may be relevant for neuromuscular disorders, but have not been definitively shown to cause cardiomyopathy (PMID: 23975875). In summary, the available evidence is currently insufficient to determine the role of this variant in disease. Therefore, it has been classified as a Variant of Uncertain Significance.

Literature cited by the submitters: PubMed 25589632 (cited by Labcorp Genetics (formerly Invitae), Labcorp); PubMed 23975875 (cited by Labcorp Genetics (formerly Invitae), Labcorp).

NM_001267550.2(TTN):c.106751T>C (p.Leu35584Pro)

Genes: TTN (titin; minus strand), TTN-AS1 (TTN antisense RNA 1; plus strand). Cytogenetic location: 2q31.2.
Variant type: single nucleotide variant.
Coding change: c.106751T>C on transcript NM_001267550.2 (MANE Select); coding-DNA position 106751, T replaced by C.
Protein change: p.Leu35584Pro; replaces leucine 35584 with proline.
Molecular consequence: missense variant.
Genome position (GRCh38, 1-based): chr2:178,529,000, A>G on the plus strand (T>C on the coding strand, the complement: TTN is on the minus strand). VCF-style: chr2-178529000-A-G. GRCh37 (hg19) VCF-style: chr2-179393727-A-G.
Other names: c.101828T>C, p.Leu33943Pro (NM_001256850.1); c.79556T>C, p.Leu26519Pro (NM_003319.4); c.99047T>C, p.Leu33016Pro (NM_133378.4); c.79931T>C, p.Leu26644Pro (NM_133432.3); c.80132T>C, p.Leu26711Pro (NM_133437.4); short protein forms L26519P, L26644P, L26711P, L33016P, L33943P, L35584P.
Identifiers: ClinVar variation 3758721 (VCV003758721.4).
Genomic context (GRCh38, chr2:178,529,000, plus strand): 5'-CTGACTTCTTCTGATGCCTGTGATGTTTTAGTGATTTCCTCATGGACAATGGATTTTTCC[A>G]GGGAGGTTGCTGCTGATTTCTTGACTTCTTCAGAAATCAGAACCTTTGAAGCTTCCTCTT-3'
Protein context (NP_001254479.2, residues 35574-35594): EEVKKSAATS[Leu35584Pro]EKSIVHEEIT